The following is an entry in ClinVar:

NM_000537.4(REN):c.565G>A (p.Glu189Lys)

Gene: REN (renin; minus strand). Cytogenetic location: 1q32.1.
Variant type: single nucleotide variant.
Coding change: c.565G>A on transcript NM_000537.4 (MANE Select); coding-DNA position 565, G replaced by A.
Protein change: p.Glu189Lys; replaces glutamic acid 189 with lysine.
Molecular consequence: missense variant.
Genome position (GRCh38, 1-based): chr1:204,159,523, C>T on the plus strand (G>A on the coding strand, the complement: REN is on the minus strand). VCF-style: chr1-204159523-C-T. GRCh37 (hg19) VCF-style: chr1-204128651-C-T.
Other names: c.565G>A (NM_000537.3); short protein forms E189K.
Identifiers: ClinVar variation 2717933 (VCV002717933.4), dbSNP rs771032027, ClinGen allele CA1344887.

ClinVar aggregate classification (germline): Conflicting classifications of pathogenicity. Review status: criteria provided, conflicting classifications (1 of 4 stars). 2 submissions from 2 submitters: Uncertain significance (1); Likely benign (1). Last evaluated 2025-10-05.

Conditions:
Inborn genetic diseases. Identifiers: MedGen C0950123, MeSH D030342.

Allele frequency attached by ClinVar (database versions not stated): gnomAD 0.00003; TOPMed 0.00004; ExAC 0.00007; gnomAD exomes 0.00009.
gnomAD v4.1: 130 of 1,614,062 alleles (0.0081%); highest among the groups gnomAD compares: Non-Finnish European, 0.01%; 1 homozygote.

Submissions (2):

Labcorp Genetics (formerly Invitae), Labcorp
Classification: Uncertain significance. Last evaluated: 2025-10-05. Review status: criteria provided, single submitter. Criteria: Invitae Variant Classification Sherloc (09022015). Collection method: clinical testing. Allele origin: germline.
Comment: This sequence change replaces glutamic acid, which is acidic and polar, with lysine, which is basic and polar, at codon 189 of the REN protein (p.Glu189Lys). This variant is present in population databases (rs771032027, gnomAD 0.01%). This variant has not been reported in the literature in individuals affected with REN-related conditions. ClinVar contains an entry for this variant (Variation ID: 2717933). Invitae Evidence Modeling of protein sequence and biophysical properties (such as structural, functional, and spatial information, amino acid conservation, physicochemical variation, residue mobility, and thermodynamic stability) indicates that this missense variant is not expected to disrupt REN protein function with a negative predictive value of 80%. In summary, the available evidence is currently insufficient to determine the role of this variant in disease. Therefore, it has been classified as a Variant of Uncertain Significance.

Ambry Genetics
Classification: Likely benign for Inborn genetic diseases. Last evaluated: 2025-07-15. Review status: criteria provided, single submitter. Criteria: Ambry Variant Classification Scheme 2023. Collection method: clinical testing. Allele origin: germline.